The following is an entry in ClinVar:

NM_004727.3(SLC24A1):c.26C>T (p.Pro9Leu)

Gene: SLC24A1 (solute carrier family 24 member 1; plus strand). Cytogenetic location: 15q22.31.
Variant type: single nucleotide variant.
Coding change: c.26C>T on transcript NM_004727.3 (MANE Select); coding-DNA position 26, C replaced by T.
Protein change: p.Pro9Leu; replaces proline 9 with leucine.
Molecular consequence: missense variant.
Genome position (GRCh38, 1-based): chr15:65,624,106, C>T. VCF-style: chr15-65624106-C-T. GRCh37 (hg19) VCF-style: chr15-65916444-C-T.
Other names: c.26C>T, p.Pro9Leu (NM_001301031.1, NM_001301032.1, NM_001301033.2); short protein forms P9L.
Identifiers: ClinVar variation 955111 (VCV000955111.8), dbSNP rs375737404, ClinGen allele CA7619673.

ClinVar aggregate classification (germline): Uncertain significance. Review status: criteria provided, multiple submitters, no conflicts (2 of 4 stars). 2 submissions from 2 submitters: Uncertain significance (2). Last evaluated 2022-10-17.

Allele frequency attached by ClinVar (database versions not stated): gnomAD exomes 0.00002 and 0.00003; ExAC 0.00003; TOPMed 0.00008; gnomAD 0.00015 and 0.00016; ESP Exome Variant Server 0.00025.
gnomAD v4.1: 66 of 1,606,318 alleles (0.0041%); highest among the groups gnomAD compares: African/African-American, 0.048%; no homozygotes.

Submissions (2):

Labcorp Genetics (formerly Invitae), Labcorp
Classification: Uncertain significance. Last evaluated: 2022-10-17. Review status: criteria provided, single submitter. Criteria: Invitae Variant Classification Sherloc (09022015). Collection method: clinical testing. Allele origin: germline.
Comment: This sequence change replaces proline, which is neutral and non-polar, with leucine, which is neutral and non-polar, at codon 9 of the SLC24A1 protein (p.Pro9Leu). This variant is present in population databases (rs375737404, gnomAD 0.03%). This variant has not been reported in the literature in individuals affected with SLC24A1-related conditions. ClinVar contains an entry for this variant (Variation ID: 955111). Algorithms developed to predict the effect of missense changes on protein structure and function output the following: SIFT: "Tolerated"; PolyPhen-2: "Benign"; Align-GVGD: "Class C0". The leucine amino acid residue is found in multiple mammalian species, which suggests that this missense change does not adversely affect protein function. In summary, the available evidence is currently insufficient to determine the role of this variant in disease. Therefore, it has been classified as a Variant of Uncertain Significance.

Blueprint Genetics
Classification: Uncertain significance. Last evaluated: 2021-08-25. Review status: criteria provided, single submitter. Criteria: ACMG Guidelines, 2015. Collection method: clinical testing. Allele origin: germline.